The following is an entry in ClinVar:

NM_015910.7(WDPCP):c.500-322C>T

Gene: WDPCP (WD repeat containing planar cell polarity effector; minus strand). Cytogenetic location: 2p15.
Variant type: single nucleotide variant.
Coding change: c.500-322C>T on transcript NM_015910.7 (MANE Select); 322 bases into the intron before coding-DNA position 500, C replaced by T.
Molecular consequence: intron variant. On other transcripts: missense variant (1), non-coding transcript variant (1).
Genome position (GRCh38, 1-based): chr2:63,437,876, G>A on the plus strand (C>T on the coding strand, the complement: WDPCP is on the minus strand). VCF-style: chr2-63437876-G-A. GRCh37 (hg19) VCF-style: chr2-63665010-G-A.
Other names: c.8C>T, p.Ser3Leu (NM_001042692.3); c.428-322C>T (NM_001354044.2); c.500-322C>T (NM_001354045.2); short protein forms S3L.
Identifiers: ClinVar variation 2629496 (VCV002629496.3), dbSNP rs746693141, ClinGen allele CA1682438.
Genomic context (GRCh38, chr2:63,437,876, plus strand): 5'-TTTAGAAACAGGGCTATAAAGGTATTTTTAAAAAACTATTTCGCACCTGAATGTAGAGAC[G>A]AAAACATTCCATTTTATTTGTGCTAAGAGTTTAATCCTATGTTTACATGATAGAAACCAT-3'

ClinVar aggregate classification (germline): Likely benign. Review status: criteria provided, single submitter (1 of 4 stars). 2 submissions from 2 submitters: Likely benign (1). 1 of the submissions does not count toward it. Last evaluated 2024-01-22.

Conditions:
WDPCP-related disorder. Also called: WDPCP-related condition.

Allele frequency attached by ClinVar (database versions not stated): gnomAD exomes 0.00008; ExAC 0.00009; TOPMed 0.00011; gnomAD 0.00012.
gnomAD v4.1: 134 of 1,596,176 alleles (0.0084%); highest among the groups gnomAD compares: East Asian, 0.19%; no homozygotes.

Submissions (2):

Blueprint Genetics
Classification: Likely benign. Last evaluated: 2024-01-22. Review status: criteria provided, single submitter. Criteria: ACMG Guidelines, 2015. Collection method: clinical testing. Allele origin: germline.

PreventionGenetics, part of Exact Sciences
Classification: Uncertain significance for WDPCP-related condition. Last evaluated: 2024-05-07. Review status: no assertion criteria provided. Collection method: clinical testing. Allele origin: germline. Not counted in ClinVar's aggregate classification.
Comment: The WDPCP c.8C>T variant is predicted to result in the amino acid substitution p.Ser3Leu. To our knowledge, this variant has not been reported in the literature. This variant is reported in 0.074% of alleles in individuals of East Asian descent in gnomAD, which may be too common to be an unreported cause of disease. Although we suspect that this variant may be benign, at this time, the clinical significance of this variant is uncertain due to the absence of conclusive functional and genetic evidence.